The following is an entry in ClinVar:

GRCh37/hg19 15q26.3(chr15:99364838-102429112)x1

Genes: ADAMTS17 (ADAM metallopeptidase with thrombospondin type 1 motif 17; minus strand), ALDH1A3 (aldehyde dehydrogenase 1 family member A3; plus strand), ASB7 (ankyrin repeat and SOCS box containing 7; plus strand), CERS3 (ceramide synthase 3; minus strand), CHSY1 (chondroitin sulfate synthase 1; minus strand) and 16 more. Cytogenetic location: 15q26.3.
Variant type: copy number loss.
Change: copy number 1 (one copy instead of two) of chr15:99,364,838-102,429,112 (3.06 Mb, GRCh37 coordinates, 1-based), cytogenetic band 15q26.3.
Identifiers: ClinVar variation 4682864 (VCV004682864.1).

ClinVar aggregate classification (germline): Pathogenic (1 of 4 stars; one submission).

Submission:

Quest Diagnostics Nichols Institute San Juan Capistrano
Classification: Pathogenic. Last evaluated: 2024-07-18. Review status: criteria provided, single submitter. Criteria: ACMG/ClinGen CNV Guidelines, 2019. Collection method: clinical testing. Allele origin: unknown.
Comment: This 15q26.3 deletion overlaps the region associated with chromosome 15q26-qter deletion syndrome (OMIM 612626). Haploinsufficiency of IGF1R is associated with growth delay due to insulin-like growth factor I resistance (OMIM 270450; HGNC:5465). The features observed in individuals with 15q26-qter deletion syndrome are consistent with, and primarily attributed to, IGF1R haploinsufficiency, although additional phenotypes have also been reported (Nakamura 2011, Rudaks 2011, Sivakumaran 2023). Smaller regions (Sivakumaran 2023) and genes within the current interval (Miszalski-Jamka 2017, Qiao 2020) have been proposed as candidate genes for some additional phenotypes. There are no similar copy number losses of this region in the general populations of the Database of Genomic Variants. Thus, this copy number variant (CNV) is classified as pathogenic. References: Miszalski-Jamka et al., Circ Cardiovasc Genet. 2017 Aug;10(4):e001763. PMID: 28798025 Nakamura et al., Eur J Med Genet. 2011 May-Jun;54(3):354-6. PMID: 21172461 Qiao et al., Clin Chem Lab Med. 2020 Dec 3;59(5):955-963. PMID: 33554560 Rudaks et al., Am J Med Genet A. 2011 Dec;155A(12):3139-43. PMID: 22065603 Sivakumaran et al., Am J Med Genet A. 2023 Sep;191(9):2392-2397. PMID: 37434556